The following is an entry in ClinVar:

NM_001127178.3(PIGG):c.2174C>G (p.Ala725Gly)

Gene: PIGG (phosphatidylinositol glycan anchor biosynthesis class G (EMM blood group); plus strand). Cytogenetic location: 4p16.3.
Variant type: single nucleotide variant.
Coding change: c.2174C>G on transcript NM_001127178.3 (MANE Select); coding-DNA position 2174, C replaced by G.
Protein change: p.Ala725Gly; replaces alanine 725 with glycine.
Molecular consequence: missense variant. On other transcripts: non-coding transcript variant (10).
Genome position (GRCh38, 1-based): chr4:527,143, C>G. VCF-style: chr4-527143-C-G. GRCh37 (hg19) VCF-style: chr4-520932-C-G.
Other names: c.1907C>G, p.Ala636Gly (NM_001289051.2, NM_001345986.2); c.1775C>G, p.Ala592Gly (NM_001289052.2); c.1883C>G, p.Ala628Gly (NM_001345987.2); c.1145C>G, p.Ala382Gly (NM_001345988.2); c.641C>G, p.Ala214Gly (NM_001345990.2, NM_001345991.2); c.1076C>G, p.Ala359Gly (NM_001345994.2); c.2150C>G, p.Ala717Gly (NM_017733.5); short protein forms A725G, A214G, A592G, A636G, A717G, A359G, A382G, A628G.
Identifiers: ClinVar variation 570475 (VCV000570475.9), dbSNP rs1471613469, ClinGen allele CA355908656.

ClinVar aggregate classification (germline): Uncertain significance (1 of 4 stars; one submission).

Conditions:
Intellectual disability, autosomal recessive 53 (NEDHSCA). Also called: GLYCOSYLPHOSPHATIDYLINOSITOL BIOSYNTHESIS DEFECT 13; Mental retardation, autosomal recessive 53; NEURODEVELOPMENTAL DISORDER WITH OR WITHOUT HYPOTONIA, SEIZURES, AND CEREBELLAR ATROPHY. Identifiers: Orphanet 488635, MedGen C4310794, MONDO:0014832, OMIM 616917.

gnomAD v4.1: 2 of 1,614,070 alleles (0.00012%); highest among the groups gnomAD compares: Non-Finnish European, 0.00017%; no homozygotes.

Submission:

Labcorp Genetics (formerly Invitae), Labcorp
Classification: Uncertain significance for Intellectual disability, autosomal recessive 53. Last evaluated: 2018-05-10. Review status: criteria provided, single submitter. Criteria: Invitae Variant Classification Sherloc (09022015). Collection method: clinical testing. Allele origin: germline.
Comment: In summary, the available evidence is currently insufficient to determine the role of this variant in disease. Therefore, it has been classified as a Variant of Uncertain Significance. Algorithms developed to predict the effect of missense changes on protein structure and function do not agree on the potential impact of this missense change (SIFT: "Tolerated"; PolyPhen-2: "Possibly Damaging"; Align-GVGD: "Class C0"). This variant has not been reported in the literature in individuals with PIGG-related disease. This variant is not present in population databases (ExAC no frequency). This sequence change replaces alanine with glycine at codon 725 of the PIGG protein (p.Ala725Gly). The alanine residue is moderately conserved and there is a small physicochemical difference between alanine and glycine.